The following is an entry in ClinVar:

ClinVar aggregate classification (germline): Uncertain significance (1 of 4 stars; one submission).

Submission:

Labcorp Genetics (formerly Invitae), Labcorp
Classification: Uncertain significance. Last evaluated: 2023-01-15. Review status: criteria provided, single submitter. Criteria: Invitae Variant Classification Sherloc (09022015). Collection method: clinical testing. Allele origin: germline.
Comment: This variant is not present in population databases (gnomAD no frequency). In summary, the available evidence is currently insufficient to determine the role of this variant in disease. Therefore, it has been classified as a Variant of Uncertain Significance. Advanced modeling of protein sequence and biophysical properties (such as structural, functional, and spatial information, amino acid conservation, physicochemical variation, residue mobility, and thermodynamic stability) has been performed at Invitae for this missense variant, however the output from this modeling did not meet the statistical confidence thresholds required to predict the impact of this variant on RP2 protein function. This variant has not been reported in the literature in individuals affected with RP2-related conditions. This sequence change replaces glycine, which is neutral and non-polar, with cysteine, which is neutral and slightly polar, at codon 2 of the RP2 protein (p.Gly2Cys).

NM_006915.3(RP2):c.4G>T (p.Gly2Cys)

Genes: RP2 (RP2 activator of ARL3 GTPase; plus strand), LOC130068202 (ATAC-STARR-seq lymphoblastoid active region 29577; plus strand). Cytogenetic location: Xp11.3.
Variant type: single nucleotide variant.
Coding change: c.4G>T on transcript NM_006915.3 (MANE Select); coding-DNA position 4, G replaced by T.
Protein change: p.Gly2Cys; replaces glycine 2 with cysteine.
Molecular consequence: missense variant.
Genome position (GRCh38, 1-based): chrX:46,837,104, G>T. VCF-style: chrX-46837104-G-T. GRCh37 (hg19) VCF-style: chrX-46696539-G-T.
Other names: short protein forms G2C.
Identifiers: ClinVar variation 2134535 (VCV002134535.4), dbSNP rs1556313408, ClinGen allele CA413038141.